The following is an entry in ClinVar:

NM_001369369.1(FOXN1):c.806dup (p.Pro272fs)

Gene: FOXN1 (forkhead box N1; plus strand). Cytogenetic location: 17q11.2.
Variant type: Duplication.
Coding change: c.806dup on transcript NM_001369369.1 (MANE Select); coding-DNA position 806, one base duplicated (T; older notation c.806dupT).
Protein change: p.Pro272fs; shifts the reading frame from proline 272.
Molecular consequence: frameshift variant.
Genome position (GRCh38, 1-based): chr17:28,529,200, T duplicated; the last of 2 consecutive T bases (chr17:28,529,199-28,529,200); duplicating either gives the same sequence. VCF-style (leftmost placement, unchanged base first): chr17-28529198-C-CT. GRCh37 (hg19) VCF-style: chr17-26856216-C-CT.
Other names: c.806dup, p.Pro272fs (NM_003593.3); short protein forms P272fs.
Identifiers: ClinVar variation 3661380 (VCV003661380.2).

ClinVar aggregate classification (germline): Pathogenic (1 of 4 stars; one submission).

Conditions:
T-cell immunodeficiency, congenital alopecia, and nail dystrophy. Also called: Congenital alopecia and nail dystrophy associated with severe functional T-cell immunodeficiency; Pignata Guarino syndrome. Identifiers: Orphanet 169095, MedGen C1866426, MONDO:0011132, OMIM 601705.

Submission:

Labcorp Genetics (formerly Invitae), Labcorp
Classification: Pathogenic for T-cell immunodeficiency, congenital alopecia, and nail dystrophy. Last evaluated: 2024-08-31. Review status: criteria provided, single submitter. Criteria: Invitae Variant Classification Sherloc (09022015). Collection method: clinical testing. Allele origin: germline.
Comment: This sequence change creates a premature translational stop signal (p.Pro272Thrfs*14) in the FOXN1 gene. It is expected to result in an absent or disrupted protein product. Loss-of-function variants in FOXN1 are known to be pathogenic (PMID: 10206641, 15180707, 31447097). This variant is not present in population databases (gnomAD no frequency). This variant has not been reported in the literature in individuals affected with FOXN1-related conditions. Algorithms developed to predict the effect of sequence changes on RNA splicing suggest that this variant may disrupt the consensus splice site. For these reasons, this variant has been classified as Pathogenic.

Literature cited by the submitters: PubMed 10206641; PubMed 15180707; PubMed 31447097.